The following is an entry in ClinVar:

ClinVar aggregate classification (germline): Uncertain significance (1 of 4 stars; one submission).

Conditions:
Hereditary cancer-predisposing syndrome. Also called: Neoplastic Syndromes, Hereditary; Tumor predisposition; Hereditary Cancer Syndrome; Hereditary neoplastic syndrome. Identifiers: Orphanet 140162, MedGen C0027672, MeSH D009386, MONDO:0015356.

gnomAD v4.1: 1 of 1,614,230 alleles (0.000062%); highest among the groups gnomAD compares: Non-Finnish European, 0.000085%; no homozygotes.

Submission:

Ambry Genetics
Classification: Uncertain significance for Hereditary cancer-predisposing syndrome. Last evaluated: 2026-04-15. Review status: criteria provided, single submitter. Criteria: Ambry Variant Classification Scheme 2023. Collection method: clinical testing. Allele origin: germline.
Comment: The c.276C>A variant (also known as p.T92T), located in coding exon 2 of the KIT gene, results from a C to A substitution at nucleotide position 276. This nucleotide substitution does not change the threonine at codon 92. This nucleotide position is poorly conserved in available vertebrate species. In silico splice site analysis predicts that this alteration will result in the creation or strengthening of a novel splice donor site. Based on the available evidence, the clinical significance of this variant remains unclear.

NM_000222.3(KIT):c.276C>A (p.Thr92=)

Gene: KIT (KIT proto-oncogene, receptor tyrosine kinase; plus strand). Cytogenetic location: 4q12.
Variant type: single nucleotide variant.
Coding change: c.276C>A on transcript NM_000222.3 (MANE Select); coding-DNA position 276, C replaced by A.
Protein change: p.Thr92=; no amino-acid change (threonine 92 retained).
Molecular consequence: synonymous variant.
Genome position (GRCh38, 1-based): chr4:54,695,720, C>A. VCF-style: chr4-54695720-C-A. GRCh37 (hg19) VCF-style: chr4-55561886-C-A.
Other names: c.276C>A, p.Thr92= (NM_001093772.2, NM_001385284.1, NM_001385285.1 and 4 more transcripts).
Identifiers: ClinVar variation 4858913 (VCV004858913.1).